The following is an entry in ClinVar:

ClinVar aggregate classification (germline): Uncertain significance (1 of 4 stars; one submission).

Conditions:
Early Myoclonic Encephalopathy. Identifiers: MedGen C0270855.

Allele frequency attached by ClinVar (database versions not stated): TOPMed 0.00002; ESP Exome Variant Server 0.00008.
gnomAD v4.1: 30 of 1,613,684 alleles (0.0019%); highest among the groups gnomAD compares: Middle Eastern, 0.016%; no homozygotes.

Submission:

Labcorp Genetics (formerly Invitae), Labcorp
Classification: Uncertain significance for Early Myoclonic Encephalopathy. Last evaluated: 2024-12-02. Review status: criteria provided, single submitter. Criteria: Invitae Variant Classification Sherloc (09022015). Collection method: clinical testing. Allele origin: germline.
Comment: This sequence change replaces arginine, which is basic and polar, with histidine, which is basic and polar, at codon 539 of the KCND2 protein (p.Arg539His). This variant is present in population databases (rs376772376, gnomAD 0.007%). This variant has not been reported in the literature in individuals affected with KCND2-related conditions. ClinVar contains an entry for this variant (Variation ID: 529715). Invitae Evidence Modeling of protein sequence and biophysical properties (such as structural, functional, and spatial information, amino acid conservation, physicochemical variation, residue mobility, and thermodynamic stability) indicates that this missense variant is not expected to disrupt KCND2 protein function with a negative predictive value of 95%. In summary, the available evidence is currently insufficient to determine the role of this variant in disease. Therefore, it has been classified as a Variant of Uncertain Significance.

NM_012281.3(KCND2):c.1616G>A (p.Arg539His)

Gene: KCND2 (potassium voltage-gated channel subfamily D member 2; plus strand). Cytogenetic location: 7q31.31.
Variant type: single nucleotide variant.
Coding change: c.1616G>A on transcript NM_012281.3 (MANE Select); coding-DNA position 1616, G replaced by A.
Protein change: p.Arg539His; replaces arginine 539 with histidine.
Molecular consequence: missense variant.
Genome position (GRCh38, 1-based): chr7:120,745,928, G>A. VCF-style: chr7-120745928-G-A. GRCh37 (hg19) VCF-style: chr7-120385982-G-A.
Other names: short protein forms R539H.
Identifiers: ClinVar variation 529715 (VCV000529715.8), dbSNP rs376772376, ClinGen allele CA4453728.